The following is an entry in ClinVar:

NM_032043.3(BRIP1):c.2069G>T (p.Gly690Val)

Gene: BRIP1 (BRCA1 interacting DNA helicase 1; minus strand). Cytogenetic location: 17q23.2.
Variant type: single nucleotide variant.
Coding change: c.2069G>T on transcript NM_032043.3 (MANE Select); coding-DNA position 2069, G replaced by T.
Protein change: p.Gly690Val; replaces glycine 690 with valine.
Molecular consequence: missense variant.
Genome position (GRCh38, 1-based): chr17:61,776,429, C>A on the plus strand (G>T on the coding strand, the complement: BRIP1 is on the minus strand). VCF-style: chr17-61776429-C-A. GRCh37 (hg19) VCF-style: chr17-59853790-C-A.
Other names: short protein forms G690V.
Identifiers: ClinVar variation 4867942 (VCV004867942.1).
Genomic context (GRCh38, chr17:61,776,429, plus strand): 5'-AAAGGCAAAAGAAACAATAAATATTCCCTTACCTTGTAAGATGGCAAGAAACACAAAATT[C>A]CTTGGCTCACAGTCTGGCACACAGATAACAAAAGTGCTCCCACTTCATCTTGGAACTCAA-3'
Protein context (NP_114432.2, residues 680-700): LLSVCQTVSQ[Gly690Val]ILCFLPSYKL

ClinVar aggregate classification (germline): Uncertain significance (1 of 4 stars; one submission).

Conditions:
Hereditary cancer-predisposing syndrome. Also called: Neoplastic Syndromes, Hereditary; Tumor predisposition; Hereditary Cancer Syndrome; Hereditary neoplastic syndrome. Identifiers: Orphanet 140162, MedGen C0027672, MeSH D009386, MONDO:0015356.

Submission:

Ambry Genetics
Classification: Uncertain significance for Hereditary cancer-predisposing syndrome. Last evaluated: 2026-06-11. Review status: criteria provided, single submitter. Criteria: Ambry Variant Classification Scheme 2023. Collection method: clinical testing. Allele origin: germline.
Comment: The p.G690V variant (also known as c.2069G>T), located in coding exon 13 of the BRIP1 gene, results from a G to T substitution at nucleotide position 2069. The glycine at codon 690 is replaced by valine, an amino acid with dissimilar properties. This amino acid position is highly conserved in available vertebrate species. In addition, this alteration is predicted to be deleterious by in silico analysis. Based on the available evidence, the clinical significance of this variant remains unclear.